The following is an entry in ClinVar:

ClinVar aggregate classification (germline): Uncertain significance (1 of 4 stars; one submission).

Conditions:
Gastrointestinal stromal tumor. Also called: Gastrointestinal stroma tumor; Gastrointestinal stromal tumor, somatic. Identifiers: Orphanet 44890, MedGen C0238198, MeSH D046152, MONDO:0011719, OMIM 606764, HP:0100723.

Submission:

Labcorp Genetics (formerly Invitae), Labcorp
Classification: Uncertain significance for Gastrointestinal stromal tumor. Last evaluated: 2021-06-27. Review status: criteria provided, single submitter. Criteria: Invitae Variant Classification Sherloc (09022015). Collection method: clinical testing. Allele origin: germline.
Comment: In summary, the available evidence is currently insufficient to determine the role of this variant in disease. Therefore, it has been classified as a Variant of Uncertain Significance. Algorithms developed to predict the effect of missense changes on protein structure and function are either unavailable or do not agree on the potential impact of this missense change (SIFT: "Tolerated"; PolyPhen-2: "Probably Damaging"; Align-GVGD: "Class C0"). This variant has not been reported in the literature in individuals with PDGFRA-related conditions. This variant is not present in population databases (ExAC no frequency). This sequence change replaces leucine with valine at codon 545 of the PDGFRA protein (p.Leu545Val). The leucine residue is highly conserved and there is a small physicochemical difference between leucine and valine.

NM_006206.6(PDGFRA):c.1633C>G (p.Leu545Val)

Gene: PDGFRA (platelet derived growth factor receptor alpha; plus strand). Cytogenetic location: 4q12.
Variant type: single nucleotide variant.
Coding change: c.1633C>G on transcript NM_006206.6 (MANE Select); coding-DNA position 1633, C replaced by G.
Protein change: p.Leu545Val; replaces leucine 545 with valine.
Molecular consequence: missense variant.
Genome position (GRCh38, 1-based): chr4:54,274,605, C>G. VCF-style: chr4-54274605-C-G. GRCh37 (hg19) VCF-style: chr4-55140772-C-G.
Other names: c.1633C>G, p.Leu545Val (NM_001347827.2, NM_001347829.2); c.1708C>G, p.Leu570Val (NM_001347828.2); c.1672C>G, p.Leu558Val (NM_001347830.2); short protein forms L570V, L545V, L558V.
Identifiers: ClinVar variation 1364130 (VCV001364130.8), dbSNP rs2110296870, ClinGen allele CA356892962.
Genomic context (GRCh38, chr4:54,274,605, plus strand): 5'-CTCACGGTGGCTGCTGCAGTCCTGGTGCTGTTGGTGATTGTGATCATCTCACTTATTGTC[C>G]TGGTTGTCATTTGGAAACAGGTAGATATTTTCTCATAAAACTAAAGATCTTTGAAGCCAA-3'
Protein context (NP_006197.1, residues 535-555): LVIVIISLIV[Leu545Val]VVIWKQKPRY